The following is an entry in ClinVar:

ClinVar aggregate classification (germline): Benign. Review status: criteria provided, multiple submitters, no conflicts (2 of 4 stars). 3 submissions from 3 submitters: Benign (2). 1 of the submissions does not count toward it. Last evaluated 2019-12-31.

Conditions:
ADAM22-related disorder. Also called: ADAM22-related condition.

Allele frequency attached by ClinVar (database versions not stated): ESP Exome Variant Server 0.00040; gnomAD exomes 0.00109 and 0.00568; gnomAD 0.00141 and 0.00145; TOPMed 0.00286; 1000 Genomes Project 30x 0.00297; 1000 Genomes Project 0.00300; ExAC 0.00683.
gnomAD v4.1: 1,782 of 1,602,980 alleles (0.11%); highest among the groups gnomAD compares: Admixed American, 2.3%; 39 homozygotes.

Submissions (3):

Labcorp Genetics (formerly Invitae), Labcorp
Classification: Benign. Last evaluated: 2019-12-31. Review status: criteria provided, single submitter. Criteria: Invitae Variant Classification Sherloc (09022015). Collection method: clinical testing. Allele origin: germline.

Breakthrough Genomics
Classification: Benign. Review status: criteria provided, single submitter. Criteria: ACMG Guidelines, 2015. Collection method: not provided. Allele origin: germline. Inheritance: Autosomal recessive inheritance. Affected: yes.

PreventionGenetics, part of Exact Sciences
Classification: Benign for ADAM22-related condition. Last evaluated: 2019-05-14. Review status: no assertion criteria provided. Collection method: clinical testing. Allele origin: germline. Not counted in ClinVar's aggregate classification.
Comment: This variant is classified as benign based on ACMG/AMP sequence variant interpretation guidelines (Richards et al. 2015 PMID: 25741868, with internal and published modifications).

NM_001324418.2(ADAM22):c.14T>G (p.Val5Gly)

Genes: ADAM22 (ADAM metallopeptidase domain 22; plus strand), LOC129998760 (ATAC-STARR-seq lymphoblastoid silent region 18354; plus strand). Cytogenetic location: 7q21.12.
Variant type: single nucleotide variant.
Coding change: c.14T>G on transcript NM_001324418.2 (MANE Select); coding-DNA position 14, T replaced by G.
Protein change: p.Val5Gly; replaces valine 5 with glycine.
Molecular consequence: missense variant.
Genome position (GRCh38, 1-based): chr7:87,934,479, T>G. VCF-style: chr7-87934479-T-G. GRCh37 (hg19) VCF-style: chr7-87563794-T-G.
Other names: c.14T>G, p.Val5Gly (NM_001324417.2, NM_001324419.2, NM_001324420.2 and 14 more transcripts); short protein forms V5G.
Identifiers: ClinVar variation 773214 (VCV000773214.7), dbSNP rs201972241, ClinGen allele CA4330005.